The following is an entry in ClinVar:

NM_004958.4(MTOR):c.6414G>T (p.Leu2138Phe)

Gene: MTOR (mechanistic target of rapamycin kinase; minus strand). Cytogenetic location: 1p36.22.
Variant type: single nucleotide variant.
Coding change: c.6414G>T on transcript NM_004958.4 (MANE Select); coding-DNA position 6414, G replaced by T.
Protein change: p.Leu2138Phe; replaces leucine 2138 with phenylalanine.
Molecular consequence: missense variant.
Genome position (GRCh38, 1-based): chr1:11,126,734, C>A on the plus strand (G>T on the coding strand, the complement: MTOR is on the minus strand). VCF-style: chr1-11126734-C-A. GRCh37 (hg19) VCF-style: chr1-11186791-C-A.
Other names: c.6414G>T, p.Leu2138Phe (NM_001386500.1); c.5166G>T, p.Leu1722Phe (NM_001386501.1); short protein forms L1722F, L2138F.
Identifiers: ClinVar variation 4991018 (VCV004991018.1).
Genomic context (GRCh38, chr1:11,126,734, plus strand): 5'-CGGTGCTATGGACTGAATGCGAATGATTGGCTGGTTGGGGTCATATGTTCCTGGCACAGC[C>A]AATTCAAGGTCCCGGCACATCAGAAGTTTTGGGGAAACATATTGCAGCTCTAAGGATGTG-3'
Protein context (NP_004949.1, residues 2128-2148): PKLLMCRDLE[Leu2138Phe]AVPGTYDPNQ

ClinVar aggregate classification (germline): Uncertain significance (1 of 4 stars; one submission).

Conditions:
MTOR-related disorder. Also called: MTOR-related condition.

Submission:

PreventionGenetics, part of Exact Sciences
Classification: Uncertain significance for MTOR-related condition. Last evaluated: 2026-07-26. Review status: criteria provided, single submitter. Criteria: ACMG Guidelines, 2015. Collection method: clinical testing. Allele origin: germline.
Comment: The MTOR c.6414G>T variant is predicted to result in the amino acid substitution p.Leu2138Phe. To our knowledge, this variant has not been reported in the literature or in a large population database (gnomAD), indicating this variant is rare. At this time, the clinical significance of this variant is uncertain due to the absence of conclusive functional and genetic evidence.